The following is an entry in ClinVar:

NM_000094.4(COL7A1):c.711C>G (p.Asp237Glu)

Gene: COL7A1 (collagen type VII alpha 1 chain; minus strand). Cytogenetic location: 3p21.31.
Variant type: single nucleotide variant.
Coding change: c.711C>G on transcript NM_000094.4 (MANE Select); coding-DNA position 711, C replaced by G.
Protein change: p.Asp237Glu; replaces aspartic acid 237 with glutamic acid.
Molecular consequence: missense variant.
Genome position (GRCh38, 1-based): chr3:48,592,910, G>C on the plus strand (C>G on the coding strand, the complement: COL7A1 is on the minus strand). VCF-style: chr3-48592910-G-C. GRCh37 (hg19) VCF-style: chr3-48630343-G-C.
Other names: short protein forms D237E.
Identifiers: ClinVar variation 2992825 (VCV002992825.3), dbSNP rs2531337498, ClinGen allele CA352742617.
Genomic context (GRCh38, chr3:48,592,910, plus strand): 5'-GCCACTGGCCGCTGTCCACTGTACTCTCAAGGATTGGCTGCTTGGCTCAGACAGCACCAG[G>C]TCTCGTGGAGCAGAGGTCGAGTCATCCGCTGGGAATGCGGGATCAGGGGATCAGGCAGGA-3'
Protein context (NP_000085.1, residues 227-247): PPDDSTSAPR[Asp237Glu]LVLSEPSSQS

ClinVar aggregate classification (germline): Uncertain significance (1 of 4 stars; one submission).

Submission:

Labcorp Genetics (formerly Invitae), Labcorp
Classification: Uncertain significance. Last evaluated: 2023-08-10. Review status: criteria provided, single submitter. Criteria: Invitae Variant Classification Sherloc (09022015). Collection method: clinical testing. Allele origin: germline.
Comment: In summary, the available evidence is currently insufficient to determine the role of this variant in disease. Therefore, it has been classified as a Variant of Uncertain Significance. Advanced modeling of protein sequence and biophysical properties (such as structural, functional, and spatial information, amino acid conservation, physicochemical variation, residue mobility, and thermodynamic stability) performed at Invitae indicates that this missense variant is not expected to disrupt COL7A1 protein function. This variant has not been reported in the literature in individuals affected with COL7A1-related conditions. This variant is not present in population databases (gnomAD no frequency). This sequence change replaces aspartic acid, which is acidic and polar, with glutamic acid, which is acidic and polar, at codon 237 of the COL7A1 protein (p.Asp237Glu).